The following is an entry in ClinVar:

ClinVar aggregate classification (germline): Uncertain significance (1 of 4 stars; one submission).

Conditions:
Spinocerebellar ataxia 42, early-onset, severe, with neurodevelopmental deficits. Identifiers: MedGen C4748120, MONDO:0060758, OMIM 618087.

Allele frequency attached by ClinVar (database versions not stated): ExAC 0.00001; gnomAD 0.00001; TOPMed 0.00002; gnomAD exomes 0.00003.
gnomAD v4.1: 41 of 1,613,690 alleles (0.0025%); highest among the groups gnomAD compares: Non-Finnish European, 0.0033%; no homozygotes.

Submission:

Victorian Clinical Genetics Services, Murdoch Childrens Research Institute
Classification: Uncertain significance for Spinocerebellar ataxia 42, early-onset, severe, with neurodevelopmental deficits. Last evaluated: 2020-05-26. Review status: criteria provided, single submitter. Criteria: ACMG Guidelines, 2015. Collection method: clinical testing. Allele origin: germline. Inheritance: Autosomal dominant inheritance. Affected: yes.
Comment: Based on the classification scheme VCGS_Germline_v1.1.1, this variant is classified as 3B-VUS. Following criteria are met: 0105 - The mechanism of disease for this gene is not clearly established. (N) 0107 - This gene is known to be associated with autosomal dominant disease. (N) 0200 - Variant is predicted to result in a missense amino acid change from lysine to arginine (exon 19). (N) 0251 - Variant is heterozygous. (N) 0302 - Variant is present in gnomAD <0.001 for a dominant condition (1 heterozygote, 0 homozygotes). (P) 0502 - Missense variant with conflicting in silico predictions and/or uninformative conservation. (N) 0603 - Missense variant in a region that is highly intolerant to missense variation (high constraint region). (P) 0705 - No comparable variants have previous evidence for pathogenicity. (N) 0807 - Variant has not previously been reported in a clinical context. (N) 0905 - No segregation evidence has been identified for this variant. (N) 1007 - No published functional evidence has been identified for this variant. (N) 1208 - Inheritance information for this variant is not currently available. (N) Legend: (P) - Pathogenic, (N) - Neutral, (B) - Benign

NM_018896.5(CACNA1G):c.3896A>G (p.Lys1299Arg)

Gene: CACNA1G (calcium voltage-gated channel subunit alpha1 G; plus strand). Cytogenetic location: 17q21.33.
Variant type: single nucleotide variant.
Coding change: c.3896A>G on transcript NM_018896.5 (MANE Select); coding-DNA position 3896, A replaced by G.
Protein change: p.Lys1299Arg; replaces lysine 1299 with arginine.
Molecular consequence: missense variant. On other transcripts: non-coding transcript variant (5).
Genome position (GRCh38, 1-based): chr17:50,601,155, A>G. VCF-style: chr17-50601155-A-G. GRCh37 (hg19) VCF-style: chr17-48678516-A-G.
Other names: c.3896A>G, p.Lys1299Arg (NM_001256324.2, NM_001256325.2, NM_001256326.2 and 16 more transcripts); c.3827A>G, p.Lys1276Arg (NM_001256332.2, NM_198376.3, NM_198379.3 and 5 more transcripts); short protein forms K1276R, K1299R.
Identifiers: ClinVar variation 1805988 (VCV001805988.1), dbSNP rs762204818, ClinGen allele CA8652871.